The following is an entry in ClinVar:

NM_001122769.3(LCA5):c.533C>T (p.Ser178Phe)

Gene: LCA5 (lebercilin LCA5; minus strand). Cytogenetic location: 6q14.1.
Variant type: single nucleotide variant.
Coding change: c.533C>T on transcript NM_001122769.3 (MANE Select); coding-DNA position 533, C replaced by T.
Protein change: p.Ser178Phe; replaces serine 178 with phenylalanine.
Molecular consequence: missense variant.
Genome position (GRCh38, 1-based): chr6:79,513,399, G>A on the plus strand (C>T on the coding strand, the complement: LCA5 is on the minus strand). VCF-style: chr6-79513399-G-A. GRCh37 (hg19) VCF-style: chr6-80223116-G-A.
Other names: c.533C>T, p.Ser178Phe (NM_181714.4); short protein forms S178F.
Identifiers: ClinVar variation 4806433 (VCV004806433.1).

ClinVar aggregate classification (germline): Uncertain significance (1 of 4 stars; one submission).

Submission:

Labcorp Genetics (formerly Invitae), Labcorp
Classification: Uncertain significance. Last evaluated: 2025-04-07. Review status: criteria provided, single submitter. Criteria: Invitae Variant Classification Sherloc (09022015). Collection method: clinical testing. Allele origin: germline.
Comment: This sequence change replaces serine, which is neutral and polar, with phenylalanine, which is neutral and non-polar, at codon 178 of the LCA5 protein (p.Ser178Phe). This variant is not present in population databases (gnomAD no frequency). This variant has not been reported in the literature in individuals affected with LCA5-related conditions. Invitae Evidence Modeling of protein sequence and biophysical properties (such as structural, functional, and spatial information, amino acid conservation, physicochemical variation, residue mobility, and thermodynamic stability) indicates that this missense variant is expected to disrupt LCA5 protein function with a positive predictive value of 80%. In summary, the available evidence is currently insufficient to determine the role of this variant in disease. Therefore, it has been classified as a Variant of Uncertain Significance.